The following is an entry in ClinVar:

ClinVar aggregate classification (germline): Conflicting classifications of pathogenicity. Review status: criteria provided, conflicting classifications (1 of 4 stars). 4 submissions from 4 submitters: Uncertain significance (1); Likely benign (2). 1 of the submissions does not count toward it. Last evaluated 2024-12-12.

Conditions:
Hereditary cancer-predisposing syndrome. Also called: Hereditary neoplastic syndrome; Tumor predisposition; Hereditary Cancer Syndrome; Neoplastic Syndromes, Hereditary. Identifiers: Orphanet 140162, MedGen C0027672, MeSH D009386, MONDO:0015356.
Lynch syndrome. Identifiers: Orphanet 144, MedGen C4552100, MONDO:0005835. Disease mechanism: loss of function.
Malignant tumor of breast. Also called: Malignant breast neoplasm; Cancer breast. Identifiers: MedGen C0006142, MONDO:0007254. Disease mechanism: loss of function.

Allele frequency attached by ClinVar (database versions not stated): gnomAD exomes below 0.00001.
gnomAD v4.1: 4 of 1,611,234 alleles (0.00025%); highest among the groups gnomAD compares: South Asian, 0.0011%; no homozygotes.

Submissions (4):

Ambry Genetics
Classification: Uncertain significance for Hereditary cancer-predisposing syndrome. Last evaluated: 2024-12-12. Review status: criteria provided, single submitter. Criteria: Ambry Variant Classification Scheme 2023. Collection method: clinical testing. Allele origin: germline.
Comment: The c.-4C>T variant is located in the 5' untranslated region (5&rsquo; UTR) of the MSH6 gene. This variant results from a C to T substitution 4 bases upstream from the first translated codon. This nucleotide position is not well conserved in available vertebrate species. Based on the available evidence, the clinical significance of this variant remains unclear.

All of Us Research Program, National Institutes of Health
Classification: Likely benign for Lynch syndrome. Last evaluated: 2024-02-05. Review status: criteria provided, single submitter. Criteria: ACMG Guidelines, 2015. Collection method: clinical testing. Allele origin: germline. Inheritance: Autosomal dominant inheritance. Observed: 2 variant alleles, 2 heterozygotes.
Comment: This study involves interpretation of variants in research participants for the purpose of population health screening. Participant phenotype was not available at the time of variant classification. Additional details can be found in publication PMID: 35346344, PMCID: PMC8962531

Color Diagnostics, LLC DBA Color Health
Classification: Likely benign for Hereditary cancer-predisposing syndrome. Last evaluated: 2017-09-25. Review status: criteria provided, single submitter. Criteria: ACMG Guidelines, 2015. Collection method: clinical testing. Allele origin: germline.

Department of Pathology and Laboratory Medicine, Sinai Health System
Classification: Uncertain significance for Malignant tumor of breast. Review status: no assertion criteria provided. Collection method: clinical testing. Allele origin: unknown. Affected: yes. Study: The Canadian Open Genetics Repository (COGR). Not counted in ClinVar's aggregate classification.
Comment: The MSH6 c.-4C>T variant was not identified in the literature nor was it identified in the UMD-LSDB database. The variant was identified in dbSNP (rs1114167784) as â€šÃ„Ãºwith likely benign, uncertain significance alleleâ€šÃ„Ã¹ and ClinVar (classified as likely benign by Color). The variant was identified in control databases in 1 of 243,944 chromosomes at a frequency of 0.000004 (Genome Aggregation Database Feb 27, 2017). The variant was observed in the following populations: European in 1 of 109,480 chromosomes (freq: 0.000009), while the variant was not observed in the African, Latino, Ashkenazi Jewish, East Asian, Finnish, Other and South Asian populations. The variant lies 4 base pairs upstream of the ATG start site and is part of the Kozak consensus sequence, which is important for translation initiation; although a C is generally present at the -4 position, it is known to vary at this position. The variant occurs at a non-highly conserved nucleotide outside of the splicing consensus sequence and 3 of 4 in silico or computational prediction software programs (SpliceSiteFinder, MaxEntScan, NNSPLICE, GeneSplicer) predicted a greater than 10% difference in splicing. In summary, based on the above information the clinical significance of this variant cannot be determined with certainty at this time. This variant is classified as a variant of uncertain significance.

NM_000179.3(MSH6):c.-4C>T

Gene: MSH6 (mutS homolog 6; plus strand). Cytogenetic location: 2p16.3.
Variant type: single nucleotide variant.
Coding change: c.-4C>T on transcript NM_000179.3 (MANE Select); 4 bases upstream of the start codon, C replaced by T.
Molecular consequence: 5 prime UTR variant.
Genome position (GRCh38, 1-based): chr2:47,783,230, C>T. VCF-style: chr2-47783230-C-T. GRCh37 (hg19) VCF-style: chr2-48010369-C-T.
Other names: c.-4C>T (NM_001281492.2); c.-740C>T (NM_001281493.2).
Identifiers: ClinVar variation 491860 (VCV000491860.10), dbSNP rs1114167784, ClinGen allele CA532350631.